The following is an entry in ClinVar:

NM_001378418.1(TCF20):c.5666A>G (p.His1889Arg)

Gene: TCF20 (transcription factor 20; minus strand). Cytogenetic location: 22q13.2.
Variant type: single nucleotide variant.
Coding change: c.5666A>G on transcript NM_001378418.1 (MANE Select); coding-DNA position 5666, A replaced by G.
Protein change: p.His1889Arg; replaces histidine 1889 with arginine.
Molecular consequence: missense variant.
Genome position (GRCh38, 1-based): chr22:42,179,692, T>C on the plus strand (A>G on the coding strand, the complement: TCF20 is on the minus strand). VCF-style: chr22-42179692-T-C. GRCh37 (hg19) VCF-style: chr22-42575698-T-C.
Other names: c.5666A>G, p.His1889Arg (NM_005650.4, NM_181492.3); short protein forms H1889R.
Identifiers: ClinVar variation 1677066 (VCV001677066.1), dbSNP rs2147094662, ClinGen allele CA411776623.
Genomic context (GRCh38, chr22:42,179,692, plus strand): 5'-TGGTATCGGAAGGAGCAGCCTTTGTTGTAGCAGCCCAAGGTGGCGCCTGCCTCCTGGCAG[T>C]GGGAACATTTCTGAAAGGAAGGGAAAAGTCAGGCATGTCAGTATCCCAGATTTGGCCCTC-3'
Protein context (NP_001365347.1, residues 1879-1899): LEIAREMKCS[His1889Arg]CQEAGATLGC

ClinVar aggregate classification (germline): Uncertain significance (1 of 4 stars; one submission).

Allele frequency attached by ClinVar (database versions not stated): gnomAD exomes below 0.00001.
gnomAD v4.1: 1 of 1,613,406 alleles (0.000062%); highest among the groups gnomAD compares: Non-Finnish European, 0.000085%; no homozygotes.

Submission:

Women's Health and Genetics/Laboratory Corporation of America, LabCorp
Classification: Uncertain significance. Last evaluated: 2022-03-09. Review status: criteria provided, single submitter. Criteria: LabCorp Variant Classification Summary - May 2015. Collection method: clinical testing. Allele origin: germline.
Comment: Variant summary: TCF20 c.5666A>G (p.His1889Arg) results in a non-conservative amino acid change located in the Extended PHD (ePHD) domain (IPR034732) of the encoded protein sequence. Four of five in-silico tools predict a damaging effect of the variant on protein function. The variant was absent in 251416 control chromosomes (gnomAD). The available data on variant occurrences in the general population are insufficient to allow any conclusion about variant significance. To our knowledge, no occurrence of c.5666A>G in individuals affected with Developmental Delay With Variable Intellectual Impairment And Behavioral Abnormalities and no experimental evidence demonstrating its impact on protein function have been reported. No clinical diagnostic laboratories have submitted clinical-significance assessments for this variant to ClinVar after 2014. Based on the evidence outlined above, the variant was classified as uncertain significance.